The following is an entry in ClinVar:

NM_002334.4(LRP4):c.5506C>G (p.Leu1836Val)

Genes: LRP4-AS1 (LRP4 antisense RNA 1; plus strand), LRP4 (LDL receptor related protein 4; minus strand). Cytogenetic location: 11p11.2.
Variant type: single nucleotide variant.
Coding change: c.5506C>G on transcript NM_002334.4 (MANE Select); coding-DNA position 5506, C replaced by G.
Protein change: p.Leu1836Val; replaces leucine 1836 with valine.
Molecular consequence: missense variant.
Genome position (GRCh38, 1-based): chr11:46,859,195, G>C on the plus strand (C>G on the coding strand, the complement: LRP4 is on the minus strand). VCF-style: chr11-46859195-G-C. GRCh37 (hg19) VCF-style: chr11-46880746-G-C.
Other names: short protein forms L1836V.
Identifiers: ClinVar variation 1467913 (VCV001467913.6), dbSNP rs2134750890, ClinGen allele CA380284080.
Genomic context (GRCh38, chr11:46,859,195, plus strand): 5'-AGCCAGAGCTGGCCTGGATGGACACCGTGTCTGTCTTCATGCATACATGATCCCGGAGGA[G>C]GCCCCCCCGTGAGCTTCGCAGTTGCTTGAGGTCATCCCACTCAGCATCATCCCCAGACAG-3'
Protein context (NP_002325.2, residues 1826-1846): LKQLRSSRGG[Leu1836Val]LRDHVCMKTD

ClinVar aggregate classification (germline): Uncertain significance (1 of 4 stars; one submission).

Conditions:
Cenani-Lenz syndactyly syndrome. Also called: CENANI SYNDACTYLISM; SYNDACTYLY, TYPE VII. Identifiers: Orphanet 3258, MedGen C1859309, MONDO:0008931, OMIM 212780.
Sclerosteosis 2 (SOST2). Identifiers: Orphanet 3152, MedGen C3280402, MONDO:0013679, OMIM 614305.
Congenital myasthenic syndrome 17. Identifiers: Orphanet 590, MedGen C4225377, MONDO:0014578, OMIM 616304.

Submission:

Labcorp Genetics (formerly Invitae), Labcorp
Classification: Uncertain significance for Cenani-Lenz syndactyly syndrome; Sclerosteosis 2; Congenital myasthenic syndrome 17. Last evaluated: 2025-04-08. Review status: criteria provided, single submitter. Criteria: Invitae Variant Classification Sherloc (09022015). Collection method: clinical testing. Allele origin: germline.
Comment: This sequence change replaces leucine, which is neutral and non-polar, with valine, which is neutral and non-polar, at codon 1836 of the LRP4 protein (p.Leu1836Val). This variant is not present in population databases (gnomAD no frequency). This variant has not been reported in the literature in individuals affected with LRP4-related conditions. ClinVar contains an entry for this variant (Variation ID: 1467913). An algorithm developed to predict the effect of missense changes on protein structure and function (PolyPhen-2) suggests that this variant is likely to be tolerated. In summary, the available evidence is currently insufficient to determine the role of this variant in disease. Therefore, it has been classified as a Variant of Uncertain Significance.